The following is an entry in ClinVar:

NM_015021.3(ZNF292):c.4853G>A (p.Ser1618Asn)

Gene: ZNF292 (zinc finger protein 292; plus strand). Cytogenetic location: 6q14.3.
Variant type: single nucleotide variant.
Coding change: c.4853G>A on transcript NM_015021.3 (MANE Select); coding-DNA position 4853, G replaced by A.
Protein change: p.Ser1618Asn; replaces serine 1618 with asparagine.
Molecular consequence: missense variant.
Genome position (GRCh38, 1-based): chr6:87,258,482, G>A. VCF-style: chr6-87258482-G-A. GRCh37 (hg19) VCF-style: chr6-87968200-G-A.
Other names: c.4433G>A, p.Ser1478Asn (NM_001351444.2); short protein forms S1618N, S1478N.
Identifiers: ClinVar variation 2365126 (VCV002365126.4), dbSNP rs761462824, ClinGen allele CA3914377.
Genomic context (GRCh38, chr6:87,258,482, plus strand): 5'-ATTTTACCAGTAACAGTTCTCGTGTTTCTGTTATAAGTGGTCCTCAGAACACAAGATCCA[G>A]TCATTTAAATAAAAAGGGAAACAGTGCTTCTAAGAGAAGAAAGAAAGTTGCTCCTCCACT-3'
Protein context (NP_055836.1, residues 1608-1628): VISGPQNTRS[Ser1618Asn]HLNKKGNSAS

ClinVar aggregate classification (germline): Likely benign. Review status: criteria provided, multiple submitters, no conflicts (2 of 4 stars). 2 submissions from 2 submitters: Likely benign (2). Last evaluated 2026-04-01.

Conditions:
Inborn genetic diseases. Identifiers: MedGen C0950123, MeSH D030342.

Allele frequency attached by ClinVar (database versions not stated): gnomAD exomes 0.00003; gnomAD 0.00005; ExAC 0.00008.
gnomAD v4.1: 58 of 1,613,506 alleles (0.0036%); highest among the groups gnomAD compares: Middle Eastern, 0.016%; no homozygotes.

Submissions (2):

CeGaT Center for Human Genetics Tuebingen
Classification: Likely benign. Last evaluated: 2026-04-01. Review status: criteria provided, single submitter. Criteria: CeGaT Center For Human Genetics Tuebingen Variant Classification Criteria Version 2. Collection method: clinical testing. Allele origin: germline. Affected: yes. Observed: 1 variant allele.
Comment: ZNF292: BP4, BS1

Ambry Genetics
Classification: Likely benign for Inborn genetic diseases. Last evaluated: 2022-05-26. Review status: criteria provided, single submitter. Criteria: Ambry Variant Classification Scheme 2023. Collection method: clinical testing. Allele origin: germline.